The following is an entry in ClinVar:

ClinVar aggregate classification (germline): Likely benign. Review status: criteria provided, single submitter (1 of 4 stars). 2 submissions from 2 submitters: Likely benign (1). 1 of the submissions does not count toward it. Last evaluated 2025-12-12.

Conditions:
MRTFA-related disorder. Also called: MRTFA-related condition.

Allele frequency attached by ClinVar (database versions not stated): gnomAD 0.00003 and 0.00004; gnomAD exomes 0.00003 and 0.00005; ExAC 0.00005.
gnomAD v4.1: 39 of 1,481,832 alleles (0.0026%); highest among the groups gnomAD compares: Admixed American, 0.0049%; no homozygotes.

Submissions (2):

Labcorp Genetics (formerly Invitae), Labcorp
Classification: Likely benign. Last evaluated: 2025-12-12. Review status: criteria provided, single submitter. Criteria: Invitae Variant Classification Sherloc (09022015). Collection method: clinical testing. Allele origin: germline.

PreventionGenetics, part of Exact Sciences
Classification: Likely benign for MRTFA-related condition. Last evaluated: 2019-10-28. Review status: no assertion criteria provided. Collection method: clinical testing. Allele origin: germline. Not counted in ClinVar's aggregate classification.
Comment: This variant is classified as likely benign based on ACMG/AMP sequence variant interpretation guidelines (Richards et al. 2015 PMID: 25741868, with internal and published modifications).

NM_020831.6(MRTFA):c.2034G>A (p.Glu678=)

Gene: MRTFA (myocardin related transcription factor A; minus strand). Cytogenetic location: 22q13.1.
Variant type: single nucleotide variant.
Coding change: c.2034G>A on transcript NM_020831.6 (MANE Select); coding-DNA position 2034, G replaced by A.
Protein change: p.Glu678=; no amino-acid change (glutamic acid 678 retained).
Molecular consequence: synonymous variant.
Genome position (GRCh38, 1-based): chr22:40,418,704, C>T on the plus strand (G>A on the coding strand, the complement: MRTFA is on the minus strand). VCF-style: chr22-40418704-C-T. GRCh37 (hg19) VCF-style: chr22-40814708-C-T.
Other names: c.1734G>A, p.Glu578= (NM_001282660.2); c.1884G>A, p.Glu628= (NM_001282661.3); c.2034G>A, p.Glu678= (NM_001282662.3); c.1839G>A, p.Glu613= (NM_001318139.2); c.1734G>A (NM_020831.4).
Identifiers: ClinVar variation 1683000 (VCV001683000.10), dbSNP rs778404892, ClinGen allele CA10249463.